The following is an entry in ClinVar:

ClinVar aggregate classification (germline): Benign/Likely benign. Review status: criteria provided, multiple submitters, no conflicts (2 of 4 stars). 4 submissions from 4 submitters: Benign (2); Likely benign (2). Last evaluated 2026-05-01.

Allele frequency attached by ClinVar (database versions not stated): gnomAD exomes 0.00024 and 0.00031; ExAC 0.00038; 1000 Genomes Project 0.00080; gnomAD 0.00086 and 0.00089; ESP Exome Variant Server 0.00088; TOPMed 0.00094; 1000 Genomes Project 30x 0.00109.
gnomAD v4.1: 521 of 1,613,260 alleles (0.032%); highest among the groups gnomAD compares: African/African-American, 0.32%; 6 homozygotes.

Submissions (4):

CeGaT Center for Human Genetics Tuebingen
Classification: Likely benign. Last evaluated: 2026-05-01. Review status: criteria provided, single submitter. Criteria: CeGaT Center For Human Genetics Tuebingen Variant Classification Criteria Version 2. Collection method: clinical testing. Allele origin: germline. Affected: yes. Observed: 1 variant allele.
Comment: COL18A1: BP4, BP7

Labcorp Genetics (formerly Invitae), Labcorp
Classification: Benign. Last evaluated: 2026-01-26. Review status: criteria provided, single submitter. Criteria: Invitae Variant Classification Sherloc (09022015). Collection method: clinical testing. Allele origin: germline.

Blueprint Genetics
Classification: Likely benign. Last evaluated: 2024-10-09. Review status: criteria provided, single submitter. Criteria: ACMG Guidelines, 2015. Collection method: clinical testing. Allele origin: germline.

Breakthrough Genomics
Classification: Benign. Review status: criteria provided, single submitter. Criteria: ACMG Guidelines, 2015. Collection method: not provided. Allele origin: germline. Inheritance: Autosomal recessive inheritance. Affected: yes.

NM_001379500.1(COL18A1):c.3198C>T (p.Asn1066=)

Genes: COL18A1 (collagen type XVIII alpha 1 chain; plus strand), SLC19A1 (solute carrier family 19 member 1; minus strand). Cytogenetic location: 21q22.3.
Variant type: single nucleotide variant.
Coding change: c.3198C>T on transcript NM_001379500.1 (MANE Select); coding-DNA position 3198, C replaced by T.
Protein change: p.Asn1066=; no amino-acid change (asparagine 1066 retained).
Molecular consequence: synonymous variant.
Genome position (GRCh38, 1-based): chr21:45,505,948, C>T. VCF-style: chr21-45505948-C-T. GRCh37 (hg19) VCF-style: chr21-46925862-C-T.
Other names: c.3729C>T, p.Asn1243= (NM_030582.4); c.4434C>T, p.Asn1478= (NM_130444.3).
Identifiers: ClinVar variation 1168997 (VCV001168997.13), dbSNP rs377152291, ClinGen allele CA10067748.
Genomic context (GRCh38, chr21:45,505,948, plus strand): 5'-TCCCGAGGGCTGGCTCATCTTCGTGGCCGAGCAGGAGGAGCTCTACGTCCGCGTGCAGAA[C>T]GGGTTCCGGAAGGTCCAGGTGAGCGCTCTGTGTGACGGGTTCTGGACCCGTGGAAGGGCC-3'
Protein context (NP_001366429.1, residues 1056-1076): EQEELYVRVQ[Asn1066=]GFRKVQLEAR